The following is an entry in ClinVar:

ClinVar aggregate classification (germline): Uncertain significance (1 of 4 stars; one submission).

Conditions:
Peutz-Jeghers syndrome (PJS). Also called: POLYPOSIS, HAMARTOMATOUS INTESTINAL; POLYPS-AND-SPOTS SYNDROME; Peutz-Jeghers polyposis; Periorificial lentiginosis syndrome. Identifiers: Orphanet 2869, MedGen C0031269, MeSH D010580, MONDO:0008280, OMIM 175200.

Submission:

Labcorp Genetics (formerly Invitae), Labcorp
Classification: Uncertain significance for Peutz-Jeghers syndrome. Last evaluated: 2024-03-13. Review status: criteria provided, single submitter. Criteria: Invitae Variant Classification Sherloc (09022015). Collection method: clinical testing. Allele origin: germline.
Comment: This sequence change replaces serine, which is neutral and polar, with asparagine, which is neutral and polar, at codon 169 of the STK11 protein (p.Ser169Asn). This variant is not present in population databases (gnomAD no frequency). This variant has not been reported in the literature in individuals affected with STK11-related conditions. ClinVar contains an entry for this variant (Variation ID: 1006315). Advanced modeling of protein sequence and biophysical properties (such as structural, functional, and spatial information, amino acid conservation, physicochemical variation, residue mobility, and thermodynamic stability) performed at Invitae indicates that this missense variant is expected to disrupt STK11 protein function with a positive predictive value of 80%. In summary, the available evidence is currently insufficient to determine the role of this variant in disease. Therefore, it has been classified as a Variant of Uncertain Significance.

NM_000455.5(STK11):c.506G>A (p.Ser169Asn)

Gene: STK11 (serine/threonine kinase 11; plus strand). Cytogenetic location: 19p13.3.
Variant type: single nucleotide variant.
Coding change: c.506G>A on transcript NM_000455.5 (MANE Select); coding-DNA position 506, G replaced by A.
Protein change: p.Ser169Asn; replaces serine 169 with asparagine.
Molecular consequence: missense variant.
Genome position (GRCh38, 1-based): chr19:1,220,414, G>A. VCF-style: chr19-1220414-G-A. GRCh37 (hg19) VCF-style: chr19-1220413-G-A.
Other names: short protein forms S169N.
Identifiers: ClinVar variation 1006315 (VCV001006315.8), dbSNP rs2080774259, ClinGen allele CA402948909.
Genomic context (GRCh38, chr19:1,220,414, plus strand): 5'-GGGTGTGTGCTGCCCGCAGGTACTTCTGTCAGCTGATTGACGGCCTGGAGTACCTGCATA[G>A]CCAGGGCATTGTGCACAAGGACATCAAGCCGGGGAACCTGCTGCTCACCACCGGTGGCAC-3'
Protein context (NP_000446.1, residues 159-179): QLIDGLEYLH[Ser169Asn]QGIVHKDIKP